The following is an entry in ClinVar:

ClinVar aggregate classification (germline): Uncertain significance. Review status: criteria provided, multiple submitters, no conflicts (2 of 4 stars). 3 submissions from 3 submitters: Uncertain significance (3). Last evaluated 2025-08-13.

Conditions:
Hereditary nonpolyposis colorectal neoplasms. Identifiers: MedGen C0009405, MeSH D003123.
Hereditary cancer-predisposing syndrome. Also called: Tumor predisposition; Neoplastic Syndromes, Hereditary; Hereditary neoplastic syndrome; Hereditary Cancer Syndrome. Identifiers: Orphanet 140162, MedGen C0027672, MeSH D009386, MONDO:0015356.

Submissions (3):

Labcorp Genetics (formerly Invitae), Labcorp
Classification: Uncertain significance for Hereditary nonpolyposis colorectal neoplasms. Last evaluated: 2025-08-13. Review status: criteria provided, single submitter. Criteria: Invitae Variant Classification Sherloc (09022015). Collection method: clinical testing. Allele origin: germline.
Comment: This sequence change replaces phenylalanine, which is neutral and non-polar, with leucine, which is neutral and non-polar, at codon 673 of the PMS2 protein (p.Phe673Leu). The frequency data for this variant in the population databases (gnomAD) is considered unreliable due to the presence of homologous sequence, such as pseudogenes or paralogs, in the genome. This variant has not been reported in the literature in individuals affected with PMS2-related conditions. ClinVar contains an entry for this variant (Variation ID: 633374). Invitae Evidence Modeling incorporating data from in vitro experimental studies (internal data) indicates that this missense variant is not expected to disrupt PMS2 function with a negative predictive value of 95%. In summary, the available evidence is currently insufficient to determine the role of this variant in disease. Therefore, it has been classified as a Variant of Uncertain Significance.

Ambry Genetics
Classification: Uncertain significance for Hereditary cancer-predisposing syndrome. Last evaluated: 2024-12-12. Review status: criteria provided, single submitter. Criteria: Ambry Variant Classification Scheme 2023. Collection method: clinical testing. Allele origin: germline.
Comment: The p.F673L variant (also known as c.2017T>C), located in coding exon 12 of the PMS2 gene, results from a T to C substitution at nucleotide position 2017. The phenylalanine at codon 673 is replaced by leucine, an amino acid with highly similar properties. This amino acid position is conserved. In addition, this alteration is predicted to be deleterious by in silico analysis. Based on the available evidence, the clinical significance of this variant remains unclear.

Women's Health and Genetics/Laboratory Corporation of America, LabCorp
Classification: Uncertain significance. Last evaluated: 2018-09-06. Review status: criteria provided, single submitter. Criteria: LabCorp Variant Classification Summary - May 2015. Collection method: clinical testing. Allele origin: germline.
Comment: Variant summary: PMS2 c.2017T>C (p.Phe673Leu) results in a non-conservative amino acid change in the encoded protein sequence. Five of five in-silico tools predict a damaging effect of the variant on protein function. The variant was absent in 164406 control chromosomes (gnomAD). The available data on variant occurrences in the general population are insufficient to allow any conclusion about variant significance. To our knowledge, no occurrence of c.2017T>C in individuals affected with Lynch Syndrome and no experimental evidence demonstrating its impact on protein function have been reported. Three clinical diagnostic laboratories have submitted clinical-significance assessments for this variant to ClinVar after 2014 without evidence for independent evaluation. All laboratories classified the variant as uncertain significance. Based on the evidence outlined above, the variant was classified as uncertain significance.

NM_000535.7(PMS2):c.2017T>C (p.Phe673Leu)

Gene: PMS2 (PMS1 homolog 2, mismatch repair system component; minus strand). Cytogenetic location: 7p22.1.
Variant type: single nucleotide variant.
Coding change: c.2017T>C on transcript NM_000535.7 (MANE Select); coding-DNA position 2017, T replaced by C.
Protein change: p.Phe673Leu; replaces phenylalanine 673 with leucine.
Molecular consequence: missense variant. On other transcripts: non-coding transcript variant (1).
Genome position (GRCh38, 1-based): chr7:5,982,981, A>G on the plus strand (T>C on the coding strand, the complement: PMS2 is on the minus strand). VCF-style: chr7-5982981-A-G. GRCh37 (hg19) VCF-style: chr7-6022612-A-G.
Other names: c.1612T>C, p.Phe538Leu (NM_001322003.2, NM_001322004.2, NM_001322005.2 and 1 more transcripts); c.1861T>C, p.Phe621Leu (NM_001322006.2); c.1699T>C, p.Phe567Leu (NM_001322007.2, NM_001322008.2); c.1456T>C, p.Phe486Leu (NM_001322010.2); c.1084T>C, p.Phe362Leu (NM_001322011.2, NM_001322012.2); c.1444T>C, p.Phe482Leu (NM_001322013.2); c.2017T>C, p.Phe673Leu (NM_001322014.2); c.1708T>C, p.Phe570Leu (NM_001322015.2); short protein forms F673L, F621L, F362L, F482L, F486L, F538L, F567L, F570L.
Identifiers: ClinVar variation 633374 (VCV000633374.6), dbSNP rs1562616167, ClinGen allele CA366738178.